The following is an entry in ClinVar:

NM_020631.6(PLEKHG5):c.541G>C (p.Ala181Pro)

Gene: PLEKHG5 (pleckstrin homology and RhoGEF domain containing G5; minus strand). Cytogenetic location: 1p36.31.
Variant type: single nucleotide variant.
Coding change: c.541G>C on transcript NM_020631.6 (MANE Select); coding-DNA position 541, G replaced by C.
Protein change: p.Ala181Pro; replaces alanine 181 with proline.
Molecular consequence: missense variant.
Genome position (GRCh38, 1-based): chr1:6,474,063, C>G on the plus strand (G>C on the coding strand, the complement: PLEKHG5 is on the minus strand). VCF-style: chr1-6474063-C-G. GRCh37 (hg19) VCF-style: chr1-6534123-C-G.
Other names: c.652G>C, p.Ala218Pro (NM_001042663.3, NM_001265592.2); c.541G>C, p.Ala181Pro (NM_001042664.2, NM_001042665.2, NM_001265594.3 and 1 more transcripts); c.748G>C, p.Ala250Pro (NM_001265593.2); short protein forms A218P, A181P, A250P.
Identifiers: ClinVar variation 1500513 (VCV001500513.6), dbSNP rs527341275, ClinGen allele CA561815.

ClinVar aggregate classification (germline): Uncertain significance (1 of 4 stars; one submission).

Conditions:
Charcot-Marie-Tooth disease recessive intermediate C. Also called: CHARCOT-MARIE-TOOTH NEUROPATHY, RECESSIVE INTERMEDIATE C. Identifiers: Orphanet 369867, MedGen C3809309, MONDO:0014154, OMIM 615376.
Neuronopathy, distal hereditary motor, autosomal recessive 4. Also called: Autosomal recessive lower motor neuron disease with childhood onset; NEUROPATHY, DISTAL HEREDITARY MOTOR, AUTOSOMAL RECESSIVE 4. Identifiers: Orphanet 206580, MedGen C1970211, MONDO:0012608, OMIM 611067.

gnomAD v4.1: 7 of 1,610,212 alleles (0.00043%); highest among the groups gnomAD compares: Non-Finnish European, 0.00059%; no homozygotes.

Submission:

Labcorp Genetics (formerly Invitae), Labcorp
Classification: Uncertain significance for Neuronopathy, distal hereditary motor, autosomal recessive 4; Charcot-Marie-Tooth disease recessive intermediate C. Last evaluated: 2021-08-23. Review status: criteria provided, single submitter. Criteria: Invitae Variant Classification Sherloc (09022015). Collection method: clinical testing. Allele origin: germline.
Comment: In summary, the available evidence is currently insufficient to determine the role of this variant in disease. Therefore, it has been classified as a Variant of Uncertain Significance. Algorithms developed to predict the effect of missense changes on protein structure and function are either unavailable or do not agree on the potential impact of this missense change (SIFT: "Tolerated"; PolyPhen-2: "Possibly Damaging"; Align-GVGD: "Class C0"). This variant has not been reported in the literature in individuals affected with PLEKHG5-related conditions. This variant is present in population databases (rs527341275, ExAC 0.01%). This sequence change replaces alanine with proline at codon 181 of the PLEKHG5 protein (p.Ala181Pro). The alanine residue is weakly conserved and there is a small physicochemical difference between alanine and proline.